The following is an entry in ClinVar:

ClinVar aggregate classification (germline): Uncertain significance (1 of 4 stars; one submission).

Conditions:
Hereditary pheochromocytoma and paraganglioma. Also called: Hereditary paragangliomas and pheochromocytomas; Hereditary Paraganglioma-Pheochromocytoma Syndromes; Hereditary pheochromocytoma-paraganglioma. Identifiers: Orphanet 29072, MedGen C4274332, MONDO:0017366.

Submission:

Labcorp Genetics (formerly Invitae), Labcorp
Classification: Uncertain significance for Hereditary pheochromocytoma and paraganglioma. Last evaluated: 2022-06-20. Review status: criteria provided, single submitter. Criteria: Invitae Variant Classification Sherloc (09022015). Collection method: clinical testing. Allele origin: germline.
Comment: In summary, the available evidence is currently insufficient to determine the role of this variant in disease. Therefore, it has been classified as a Variant of Uncertain Significance. This variant has not been reported in the literature in individuals affected with MAX-related conditions. This variant results in a copy number gain of the genomic region encompassing exon(s) 1-2 of the MAX gene. This region includes the initiator codon of the gene. This copy number gain extends beyond the assayed region for this gene and therefore may encompass additional genes. As the precise location of this event is unknown, it may be in tandem or it may be located elsewhere in the genome.

NC_000014.8:g.(?_65568254)_(65569057_?)dup

Gene: MAX (MYC associated transcriptional regulator X; minus strand). Cytogenetic location: 14q23.3.
Variant type: Duplication.
Identifiers: ClinVar variation 2424427 (VCV002424427.4).